The following is an entry in ClinVar:

ClinVar aggregate classification (germline): Uncertain significance (1 of 4 stars; one submission).

Conditions:
Hereditary cancer-predisposing syndrome. Also called: Neoplastic Syndromes, Hereditary; Tumor predisposition; Hereditary neoplastic syndrome; Hereditary Cancer Syndrome. Identifiers: Orphanet 140162, MedGen C0027672, MeSH D009386, MONDO:0015356.

Submission:

Ambry Genetics
Classification: Uncertain significance for Hereditary cancer-predisposing syndrome. Last evaluated: 2024-03-01. Review status: criteria provided, single submitter. Criteria: Ambry Variant Classification Scheme 2023. Collection method: clinical testing. Allele origin: germline.
Comment: The p.R906S variant (also known as c.2716C>A), located in coding exon 17 of the PTCH1 gene, results from a C to A substitution at nucleotide position 2716. The arginine at codon 906 is replaced by serine, an amino acid with dissimilar properties. This amino acid position is conserved. In addition, this alteration is predicted to be deleterious by in silico analysis. Based on the available evidence, the clinical significance of this alteration remains unclear.

NM_000264.5(PTCH1):c.2716C>A (p.Arg906Ser)

Gene: PTCH1 (patched 1; minus strand). Cytogenetic location: 9q22.32.
Variant type: single nucleotide variant.
Coding change: c.2716C>A on transcript NM_000264.5 (MANE Select); coding-DNA position 2716, C replaced by A.
Protein change: p.Arg906Ser; replaces arginine 906 with serine.
Molecular consequence: missense variant. On other transcripts: non-coding transcript variant (1).
Genome position (GRCh38, 1-based): chr9:95,459,771, G>T on the plus strand (C>A on the coding strand, the complement: PTCH1 is on the minus strand). VCF-style: chr9-95459771-G-T. GRCh37 (hg19) VCF-style: chr9-98222053-G-T.
Other names: c.2518C>A, p.Arg840Ser (NM_001083602.3); c.2713C>A, p.Arg905Ser (NM_001083603.3); c.2263C>A, p.Arg755Ser (NM_001083604.3, NM_001083605.3, NM_001083606.3 and 1 more transcripts); c.2560C>A, p.Arg854Ser (NM_001354918.2); short protein forms R755S, R840S, R854S, R905S, R906S.
Identifiers: ClinVar variation 3230990 (VCV003230990.1), dbSNP rs1588545099, ClinGen allele CA374113235.